The following is an entry in ClinVar:

NM_000548.5(TSC2):c.202G>C (p.Ala68Pro)

Gene: TSC2 (TSC complex subunit 2; plus strand). Cytogenetic location: 16p13.3.
Variant type: single nucleotide variant.
Coding change: c.202G>C on transcript NM_000548.5 (MANE Select); coding-DNA position 202, G replaced by C.
Protein change: p.Ala68Pro; replaces alanine 68 with proline.
Molecular consequence: missense variant. On other transcripts: 5 prime UTR variant (1).
Genome position (GRCh38, 1-based): chr16:2,050,463, G>C. VCF-style: chr16-2050463-G-C. GRCh37 (hg19) VCF-style: chr16-2100464-G-C.
Other names: c.202G>C, p.Ala68Pro (NM_001077183.3, NM_001114382.3, NM_001318827.2 and 4 more transcripts); c.55G>C, p.Ala19Pro (NM_001318829.2); c.-25G>C (NM_001318831.2); c.235G>C, p.Ala79Pro (NM_001318832.2); short protein forms A68P, A19P, A79P.
Identifiers: ClinVar variation 570657 (VCV000570657.10), dbSNP rs767626323, ClinGen allele CA394303524.

ClinVar aggregate classification (germline): Conflicting classifications of pathogenicity. Review status: criteria provided, conflicting classifications (1 of 4 stars). 3 submissions from 3 submitters: Uncertain significance (2); Benign (1). Last evaluated 2024-02-25.

Conditions:
Hereditary cancer-predisposing syndrome. Also called: Hereditary neoplastic syndrome; Neoplastic Syndromes, Hereditary; Hereditary Cancer Syndrome; Tumor predisposition. Identifiers: Orphanet 140162, MedGen C0027672, MeSH D009386, MONDO:0015356.
Tuberous sclerosis syndrome (TSC). Also called: Tuberous sclerosis; Tuberous Sclerosis Complex. Identifiers: Orphanet 805, MedGen C0041341, MONDO:0001734.
Tuberous sclerosis 2 (TSC2). Identifiers: Orphanet 805, MedGen C1860707, MONDO:0013199, OMIM 613254.

Submissions (3):

Ambry Genetics
Classification: Uncertain significance for Hereditary cancer-predisposing syndrome. Last evaluated: 2024-02-25. Review status: criteria provided, single submitter. Criteria: Ambry Variant Classification Scheme 2023. Collection method: clinical testing. Allele origin: germline.
Comment: The p.A68P variant (also known as c.202G>C), located in coding exon 2 of the TSC2 gene, results from a G to C substitution at nucleotide position 202. The alanine at codon 68 is replaced by proline, an amino acid with highly similar properties. This amino acid position is conserved. In addition, this alteration is predicted to be deleterious by in silico analysis. Based on the available evidence, the clinical significance of this alteration remains unclear.

Labcorp Genetics (formerly Invitae), Labcorp
Classification: Benign for Tuberous sclerosis 2. Last evaluated: 2023-12-31. Review status: criteria provided, single submitter. Criteria: Invitae Variant Classification Sherloc (09022015). Collection method: clinical testing. Allele origin: germline.

All of Us Research Program, National Institutes of Health
Classification: Uncertain significance for Tuberous sclerosis syndrome. Last evaluated: 2023-03-23. Review status: criteria provided, single submitter. Criteria: ACMG Guidelines, 2015. Collection method: clinical testing. Allele origin: germline. Inheritance: Autosomal dominant inheritance. Observed: 1 variant allele, 1 heterozygote.
Comment: This missense variant replaces alanine with proline at codon 68 of the TSC2 protein. Computational prediction is inconclusive regarding the impact of this variant on protein structure and function (internally defined REVEL score threshold 0.5 < inconclusive < 0.7, PMID: 27666373). To our knowledge, functional studies have not been reported for this variant. This variant has not been reported in individuals affected with tuberous sclerosis complex in the literature. This variant has been identified in 1/251046 chromosomes in the general population by the Genome Aggregation Database (gnomAD). The available evidence is insufficient to determine the role of this variant in disease conclusively. Therefore, this variant is classified as a Variant of Uncertain Significance.

This study involves interpretation of variants in research participants for the purpose of population health screening. Participant phenotype was not available at the time of variant classification. Additional details can be found in publication PMID: 35346344, PMCID: PMC8962531